The following is an entry in ClinVar:

ClinVar aggregate classification (germline): Uncertain significance (1 of 4 stars; one submission).

Conditions:
Sclerosteosis 2 (SOST2). Identifiers: Orphanet 3152, MedGen C3280402, MONDO:0013679, OMIM 614305.
Congenital myasthenic syndrome 17. Identifiers: Orphanet 590, MedGen C4225377, MONDO:0014578, OMIM 616304.
Cenani-Lenz syndactyly syndrome. Also called: SYNDACTYLY, TYPE VII; CENANI SYNDACTYLISM. Identifiers: Orphanet 3258, MedGen C1859309, MONDO:0008931, OMIM 212780.

Allele frequency attached by ClinVar (database versions not stated): gnomAD exomes below 0.00001; TOPMed below 0.00001; ExAC 0.00001; gnomAD 0.00001.

Submission:

Labcorp Genetics (formerly Invitae), Labcorp
Classification: Uncertain significance for Cenani-Lenz syndactyly syndrome; Sclerosteosis 2; Congenital myasthenic syndrome 17. Last evaluated: 2023-11-27. Review status: criteria provided, single submitter. Criteria: Invitae Variant Classification Sherloc (09022015). Collection method: clinical testing. Allele origin: germline.
Comment: This sequence change replaces methionine, which is neutral and non-polar, with threonine, which is neutral and polar, at codon 1745 of the LRP4 protein (p.Met1745Thr). This variant is present in population databases (rs776705313, gnomAD 0.0009%). This variant has not been reported in the literature in individuals affected with LRP4-related conditions. ClinVar contains an entry for this variant (Variation ID: 1521577). Advanced modeling of protein sequence and biophysical properties (such as structural, functional, and spatial information, amino acid conservation, physicochemical variation, residue mobility, and thermodynamic stability) performed at Invitae indicates that this missense variant is not expected to disrupt LRP4 protein function with a negative predictive value of 80%. In summary, the available evidence is currently insufficient to determine the role of this variant in disease. Therefore, it has been classified as a Variant of Uncertain Significance.

NM_002334.4(LRP4):c.5234T>C (p.Met1745Thr)

Genes: LRP4 (LDL receptor related protein 4; minus strand), LRP4-AS1 (LRP4 antisense RNA 1; plus strand). Cytogenetic location: 11p11.2.
Variant type: single nucleotide variant.
Coding change: c.5234T>C on transcript NM_002334.4 (MANE Select); coding-DNA position 5234, T replaced by C.
Protein change: p.Met1745Thr; replaces methionine 1745 with threonine.
Molecular consequence: missense variant.
Genome position (GRCh38, 1-based): chr11:46,864,457, A>G on the plus strand (T>C on the coding strand, the complement: LRP4 is on the minus strand). VCF-style: chr11-46864457-A-G. GRCh37 (hg19) VCF-style: chr11-46886008-A-G.
Other names: short protein forms M1745T.
Identifiers: ClinVar variation 1521577 (VCV001521577.6), dbSNP rs776705313, ClinGen allele CA5969105.
Genomic context (GRCh38, chr11:46,864,457, plus strand): 5'-TGCTCATGAAGACCAATGAGCATGTGGCCCCTGTAGCAAGACTGAAGTTACCTGTACAGC[A>G]TCAAAGCTGCAATCACCACCAAAATCAGCAGAATACTGAGGAGTCCACCAATGGCGTAGC-3'
Protein context (NP_002325.2, residues 1735-1755): LLILVVIAAL[Met1745Thr]LYRHKKSKFT